The following is an entry in ClinVar:

ClinVar aggregate classification (germline): Pathogenic (3 of 4 stars; one submission).

Conditions:
Glanzmann thrombasthenia. Also called: Glanzmann's thrombasthenia; PLATELET GLYCOPROTEIN IIb-IIIa DEFICIENCY; BLEEDING DISORDER, PLATELET-TYPE, 2; THROMBASTHENIA OF GLANZMANN AND NAEGELI; Thrombasthenia. Identifiers: Orphanet 849, MedGen C0040015, MONDO:0100326.

Allele frequency attached by ClinVar (database versions not stated): gnomAD exomes below 0.00001; TOPMed below 0.00001; gnomAD 0.00001.
gnomAD v4.1: 2 of 1,614,130 alleles (0.00012%); highest among the groups gnomAD compares: Non-Finnish European, 0.00017%; no homozygotes.

Submission:

ClinGen Platelet Disorders Variant Curation Expert Panel, ClinGen
Classification: Pathogenic for Glanzmann thrombasthenia. Last evaluated: 2020-11-10. Review status: reviewed by expert panel. Criteria: ClinGen Platelet ACMG Specifications v2. Collection method: curation. Allele origin: germline. Inheritance: Autosomal recessive inheritance.
Comment: NM_000212.3(ITGB3):c.1871G>A (p.Cys624Tyr) is a missense variant and has been reported in at least two probands in the literature who satisfy the diagnostic criteria for GT phenotype (PMIDs: 25728920, 22250950). This variant is absent from all major population cohorts (gnomAD, 1000 Genomes, ExAC). It has been predicted to be deleterious by multiple in silico tools (REVEL score = 0.951). Heterologous expression studies have demonstrated significantly reduced surface expression of Î±IIbÎ²3 (PMID: 11507099).This variant has been reported to occur in heterozygous state with two other variants (Leu222Pro and Arg242Ter) that have been classified as Pathogenic by ClinGen Platelet VCEP. This variant meets the GT specific criteria for PP4_strong, PS3_Moderate , PM3, PM2_Supporting, and PP3 and is therefore classified as Pathogenic.

Literature cited by the submitters: PubMed 20438394; PubMed 11507099; PubMed 25728920; PubMed 22250950.

NM_000212.3(ITGB3):c.1871G>A (p.Cys624Tyr)

Gene: ITGB3 (integrin subunit beta 3; plus strand). Cytogenetic location: 17q21.32.
Variant type: single nucleotide variant.
Coding change: c.1871G>A on transcript NM_000212.3 (MANE Select); coding-DNA position 1871, G replaced by A.
Protein change: p.Cys624Tyr; replaces cysteine 624 with tyrosine.
Molecular consequence: missense variant.
Genome position (GRCh38, 1-based): chr17:47,299,488, G>A. VCF-style: chr17-47299488-G-A. GRCh37 (hg19) VCF-style: chr17-45376854-G-A.
Other names: short protein forms C624Y.
Identifiers: ClinVar variation 996162 (VCV000996162.2), dbSNP rs1181336139, ClinGen allele CA400032726.
Genomic context (GRCh38, chr17:47,299,488, plus strand): 5'-GCGGCAAGTGTGAATGTGGCAGCTGTGTCTGTATCCAGCCGGGCTCCTATGGGGACACCT[G>A]TGAGAAGTGCCCCACCTGCCCAGATGCCTGCACCTTTAAGAAGTGAGTGTGGAGTCTGGA-3'
Protein context (NP_000203.2, residues 614-634): CIQPGSYGDT[Cys624Tyr]EKCPTCPDAC